The following is an entry in ClinVar:

NM_001036.6(RYR3):c.4922G>A (p.Arg1641His)

Gene: RYR3 (ryanodine receptor 3; plus strand). Cytogenetic location: 15q14.
Variant type: single nucleotide variant.
Coding change: c.4922G>A on transcript NM_001036.6 (MANE Select); coding-DNA position 4922, G replaced by A.
Protein change: p.Arg1641His; replaces arginine 1641 with histidine.
Molecular consequence: missense variant.
Genome position (GRCh38, 1-based): chr15:33,662,452, G>A. VCF-style: chr15-33662452-G-A. GRCh37 (hg19) VCF-style: chr15-33954653-G-A.
Other names: c.4922G>A (NM_001036.3); c.4922G>A, p.Arg1641His (NM_001243996.4); short protein forms R1641H.
Identifiers: ClinVar variation 1021965 (VCV001021965.6), dbSNP rs373416062, ClinGen allele CA7459140.

ClinVar aggregate classification (germline): Uncertain significance. Review status: criteria provided, multiple submitters, no conflicts (2 of 4 stars). 2 submissions from 2 submitters: Uncertain significance (2). Last evaluated 2025-01-15.

Conditions:
Epileptic encephalopathy. Identifiers: MedGen C0543888, HP:0200134.

Allele frequency attached by ClinVar (database versions not stated): gnomAD exomes 0.00002 and 0.00005; gnomAD 0.00004; ExAC 0.00006; TOPMed 0.00007; ESP Exome Variant Server 0.00033.
gnomAD v4.1: 87 of 1,613,876 alleles (0.0054%); highest among the groups gnomAD compares: African/African-American, 0.0067%; no homozygotes.

Submissions (2):

Ambry Genetics
Classification: Uncertain significance. Last evaluated: 2025-01-15. Review status: criteria provided, single submitter. Criteria: Ambry Variant Classification Scheme 2023. Collection method: clinical testing. Allele origin: germline.

Labcorp Genetics (formerly Invitae), Labcorp
Classification: Uncertain significance for Epileptic encephalopathy. Last evaluated: 2022-01-15. Review status: criteria provided, single submitter. Criteria: Invitae Variant Classification Sherloc (09022015). Collection method: clinical testing. Allele origin: germline.
Comment: In summary, the available evidence is currently insufficient to determine the role of this variant in disease. Therefore, it has been classified as a Variant of Uncertain Significance. Algorithms developed to predict the effect of missense changes on protein structure and function output the following: SIFT: "Deleterious"; PolyPhen-2: "Benign"; Align-GVGD: "Class C0". The histidine amino acid residue is found in multiple mammalian species, which suggests that this missense change does not adversely affect protein function. ClinVar contains an entry for this variant (Variation ID: 1021965). This variant has not been reported in the literature in individuals affected with RYR3-related conditions. This variant is present in population databases (rs373416062, gnomAD 0.02%). This sequence change replaces arginine, which is basic and polar, with histidine, which is basic and polar, at codon 1641 of the RYR3 protein (p.Arg1641His).